The following is an entry in ClinVar:

ClinVar aggregate classification (germline): Uncertain significance (1 of 4 stars; one submission).

Conditions:
Primary dilated cardiomyopathy (DCM). Also called: Dilated Cardiomyopathy. Identifiers: Orphanet 217604, MedGen C0007193, MeSH D002311, MONDO:0005021, HP:0001644. Inheritance: Various modes of inheritance.

Submission:

Labcorp Genetics (formerly Invitae), Labcorp
Classification: Uncertain significance for Primary dilated cardiomyopathy. Last evaluated: 2021-07-23. Review status: criteria provided, single submitter. Criteria: Invitae Variant Classification Sherloc (09022015). Collection method: clinical testing. Allele origin: germline.
Comment: In summary, the available evidence is currently insufficient to determine the role of this variant in disease. Therefore, it has been classified as a Variant of Uncertain Significance. Algorithms developed to predict the effect of sequence changes on RNA splicing suggest that this variant may create or strengthen a splice site. Algorithms developed to predict the effect of missense changes on protein structure and function (SIFT, PolyPhen-2, Align-GVGD) all suggest that this variant is likely to be tolerated. This variant has not been reported in the literature in individuals affected with NEBL-related conditions. This variant is not present in population databases (ExAC no frequency). This sequence change replaces alanine with glycine at codon 95 of the NEBL protein (p.Ala95Gly). The alanine residue is weakly conserved and there is a small physicochemical difference between alanine and glycine.

NM_006393.3(NEBL):c.284C>G (p.Ala95Gly)

Gene: NEBL (nebulette; minus strand). Cytogenetic location: 10p12.31.
Variant type: single nucleotide variant.
Coding change: c.284C>G on transcript NM_006393.3 (MANE Select); coding-DNA position 284, C replaced by G.
Protein change: p.Ala95Gly; replaces alanine 95 with glycine.
Molecular consequence: missense variant. On other transcripts: intron variant (9).
Genome position (GRCh38, 1-based): chr10:20,888,182, G>C on the plus strand (C>G on the coding strand, the complement: NEBL is on the minus strand). VCF-style: chr10-20888182-G-C. GRCh37 (hg19) VCF-style: chr10-21177111-G-C.
Other names: c.309+73490C>G (NM_001377323.1); c.249+73490C>G (NM_001377326.1, NM_001377327.1, NM_001377328.1); c.357+73490C>G (NM_213569.2, NM_001173484.2, NM_001377322.1); c.300+73490C>G (NM_001377324.1); c.291+73490C>G (NM_001377325.1); short protein forms A95G.
Identifiers: ClinVar variation 1507201 (VCV001507201.8), dbSNP rs769868347, ClinGen allele CA376096295.
Genomic context (GRCh38, chr10:20,888,182, plus strand): 5'-CCTGCAAAAACACTGTCAATTGTGGCTGGCATCCGCTTATAAAGAGAATTAGAAAGGTCA[G>C]CTTTAATGGTGCCTTTGTATTTTGCCTGGGGGAAAAAAAAACAGGAAAAAAATAAATAAA-3'
Protein context (NP_006384.1, residues 85-105): SEAKYKGTIK[Ala95Gly]DLSNSLYKRM